The following is an entry in ClinVar:

NM_021095.4(SLC5A6):c.485A>G (p.Tyr162Cys)

Gene: SLC5A6 (solute carrier family 5 member 6; minus strand). Cytogenetic location: 2p23.3.
Variant type: single nucleotide variant.
Coding change: c.485A>G on transcript NM_021095.4 (MANE Select); coding-DNA position 485, A replaced by G.
Protein change: p.Tyr162Cys; replaces tyrosine 162 with cysteine.
Molecular consequence: missense variant. On other transcripts: non-coding transcript variant (1).
Genome position (GRCh38, 1-based): chr2:27,206,509, T>C on the plus strand (A>G on the coding strand, the complement: SLC5A6 is on the minus strand). VCF-style: chr2-27206509-T-C. GRCh37 (hg19) VCF-style: chr2-27429377-T-C.
Other names: short protein forms Y162C.
Identifiers: ClinVar variation 1315902 (VCV001315902.3), dbSNP rs748890911, ClinGen allele CA1571812.

ClinVar aggregate classification (germline): Uncertain significance. Review status: criteria provided, single submitter (1 of 4 stars). 2 submissions from 2 submitters: Uncertain significance (1). 1 of the submissions does not count toward it. Last evaluated 2020-03-02.

Conditions:
Peripheral motor neuropathy, childhood-onset, biotin-responsive. Identifiers: MedGen C5676997, MONDO:0859255, OMIM 619903.

Allele frequency attached by ClinVar (database versions not stated): gnomAD 0.00001; gnomAD exomes 0.00001 and 0.00002; TOPMed 0.00001; ExAC 0.00002.

Submissions (2):

GeneDx
Classification: Uncertain significance. Last evaluated: 2020-03-02. Review status: criteria provided, single submitter. Criteria: GeneDx Variant Classification Process June 2021. Collection method: clinical testing. Allele origin: germline. Affected: yes.
Comment: In silico analysis supports that this missense variant has a deleterious effect on protein structure/function; Has not been previously published as pathogenic or benign to our knowledge

OMIM
Classification: Pathogenic for PERIPHERAL MOTOR NEUROPATHY, CHILDHOOD-ONSET, BIOTIN-RESPONSIVE. Last evaluated: 2022-06-02. Review status: no assertion criteria provided. Collection method: literature only. Allele origin: germline. Not counted in ClinVar's aggregate classification.

Literature cited by the submitters: PubMed 35013551 (cited by OMIM).